The following is an entry in ClinVar:

ClinVar aggregate classification (germline): Conflicting classifications of pathogenicity. Review status: criteria provided, conflicting classifications (1 of 4 stars). 2 submissions from 2 submitters: Uncertain significance (1); Likely benign (1). Last evaluated 2026-07-30.

Conditions:
Hereditary cancer-predisposing syndrome. Also called: Hereditary Cancer Syndrome; Hereditary neoplastic syndrome; Neoplastic Syndromes, Hereditary; Tumor predisposition. Identifiers: Orphanet 140162, MedGen C0027672, MeSH D009386, MONDO:0015356.

Submissions (2):

Ambry Genetics
Classification: Likely benign for Hereditary cancer-predisposing syndrome. Last evaluated: 2026-07-30. Review status: criteria provided, single submitter. Criteria: Ambry Variant Classification Scheme 2023. Collection method: clinical testing. Allele origin: germline.

Dasa
Classification: Uncertain significance. Last evaluated: 2025-07-02. Review status: criteria provided, single submitter. Criteria: DASA Assertion Criteria. Collection method: clinical testing. Allele origin: germline.
Comment: NM_058216.3(RAD51C):c.110A>G (p.Glu37Gly) is a missense variant that results in the substitution of glutamic acid with glycine. This variant is absent from population databases. Computational prediction algorithms are consistent with a benign effect. The currently available literature and clinical evidence are not sufficient to establish a definitive association between this variant and the reported condition. Therefore, this variant is classified as a variant of uncertain significance.

Literature cited by the submitters: PubMed 39299233 (cited by Ambry Genetics).

NM_058216.3(RAD51C):c.110A>G (p.Glu37Gly)

Gene: RAD51C (RAD51 paralog C; plus strand). Cytogenetic location: 17q22.
Variant type: single nucleotide variant.
Coding change: c.110A>G on transcript NM_058216.3 (MANE Select); coding-DNA position 110, A replaced by G.
Protein change: p.Glu37Gly; replaces glutamic acid 37 with glycine.
Molecular consequence: missense variant. On other transcripts: non-coding transcript variant (1).
Genome position (GRCh38, 1-based): chr17:58,692,753, A>G. VCF-style: chr17-58692753-A-G. GRCh37 (hg19) VCF-style: chr17-56770114-A-G.
Other names: c.110A>G, p.Glu37Gly (NM_002876.4, NM_058217.1); short protein forms E37G.
Identifiers: ClinVar variation 1794637 (VCV001794637.5), dbSNP rs2143679044, ClinGen allele CA400337472.
Genomic context (GRCh38, chr17:58,692,753, plus strand): 5'-TCCCGCTGTCTCCAGCGGTGCGGGTGAAGCTGGTGTCTGCGGGGTTCCAGACTGCTGAGG[A>G]ACTCCTAGAGGTGAAACCCTCCGAGCTTAGCAAAGGTAACGACTCCTGATGGCAAGCTGA-3'
Protein context (NP_478123.1, residues 27-47): LVSAGFQTAE[Glu37Gly]LLEVKPSELS